The following is an entry in ClinVar:

ClinVar aggregate classification (germline): Benign (0 of 4 stars; one submission).

Conditions:
MATN4-related disorder. Also called: MATN4-related condition.

Allele frequency attached by ClinVar (database versions not stated): 1000 Genomes Project 0.17133; 1000 Genomes Project 30x 0.17661; ExAC 0.20290; TOPMed 0.22824; gnomAD 0.23107; ESP Exome Variant Server 0.24076.
gnomAD v4.1: 346,462 of 1,596,100 alleles (22%); highest among the groups gnomAD compares: African/African-American, 29%; 39,381 homozygotes.

Submission:

PreventionGenetics, part of Exact Sciences
Classification: Benign for MATN4-related condition. Last evaluated: 2019-10-22. Review status: no assertion criteria provided. Collection method: clinical testing. Allele origin: germline.
Comment: This variant is classified as benign based on ACMG/AMP sequence variant interpretation guidelines (Richards et al. 2015 PMID: 25741868, with internal and published modifications).

NM_001393530.1(MATN4):c.315G>A (p.Val105=)

Gene: MATN4 (matrilin 4; minus strand). Cytogenetic location: 20q13.12.
Variant type: single nucleotide variant.
Coding change: c.315G>A on transcript NM_001393530.1 (MANE Select); coding-DNA position 315, G replaced by A.
Protein change: p.Val105=; no amino-acid change (valine 105 retained).
Molecular consequence: synonymous variant.
Genome position (GRCh38, 1-based): chr20:45,304,556, C>T on the plus strand (G>A on the coding strand, the complement: MATN4 is on the minus strand). VCF-style: chr20-45304556-C-T. GRCh37 (hg19) VCF-style: chr20-43933196-C-T.
Other names: c.315G>A, p.Val105= (NM_001393531.1, NM_003833.5, NM_030590.4 and 1 more transcripts).
Identifiers: ClinVar variation 3058887 (VCV003058887.2), dbSNP rs2233093, ClinGen allele CA9876283.